The following is an entry in ClinVar:

ClinVar aggregate classification (germline): Uncertain significance (1 of 4 stars; one submission).

gnomAD v4.1: 3 of 1,613,828 alleles (0.00019%); highest among the groups gnomAD compares: Non-Finnish European, 0.00025%; no homozygotes.

Submission:

Labcorp Genetics (formerly Invitae), Labcorp
Classification: Uncertain significance. Last evaluated: 2025-09-02. Review status: criteria provided, single submitter. Criteria: Invitae Variant Classification Sherloc (09022015). Collection method: clinical testing. Allele origin: germline.
Comment: This sequence change replaces methionine, which is neutral and non-polar, with valine, which is neutral and non-polar, at codon 382 of the DDR2 protein (p.Met382Val). This variant is not present in population databases (gnomAD no frequency). This variant has not been reported in the literature in individuals affected with DDR2-related conditions. An algorithm developed to predict the effect of missense changes on protein structure and function outputs the following: PolyPhen-2: "Benign". The valine amino acid residue is found in multiple mammalian species, which suggests that this missense change does not adversely affect protein function. In summary, the available evidence is currently insufficient to determine the role of this variant in disease. Therefore, it has been classified as a Variant of Uncertain Significance.

NM_006182.4(DDR2):c.1144A>G (p.Met382Val)

Gene: DDR2 (discoidin domain receptor tyrosine kinase 2; plus strand). Cytogenetic location: 1q23.3.
Variant type: single nucleotide variant.
Coding change: c.1144A>G on transcript NM_006182.4 (MANE Select); coding-DNA position 1144, A replaced by G.
Protein change: p.Met382Val; replaces methionine 382 with valine.
Molecular consequence: missense variant.
Genome position (GRCh38, 1-based): chr1:162,766,045, A>G. VCF-style: chr1-162766045-A-G. GRCh37 (hg19) VCF-style: chr1-162735835-A-G.
Other names: c.1144A>G, p.Met382Val (NM_001014796.3, NM_001354982.2, NM_001354983.2); short protein forms M382V.
Identifiers: ClinVar variation 4771514 (VCV004771514.1).